The following is an entry in ClinVar:

NM_016955.4(SEPSECS):c.289C>T (p.Arg97Ter)

Gene: SEPSECS (Sep (O-phosphoserine) tRNA:Sec (selenocysteine) tRNA synthase; minus strand). Cytogenetic location: 4p15.2.
Variant type: single nucleotide variant.
Coding change: c.289C>T on transcript NM_016955.4 (MANE Select); coding-DNA position 289, C replaced by T.
Protein change: p.Arg97Ter; replaces arginine 97 with a stop codon.
Molecular consequence: nonsense.
Genome position (GRCh38, 1-based): chr4:25,156,955, G>A on the plus strand (C>T on the coding strand, the complement: SEPSECS is on the minus strand). VCF-style: chr4-25156955-G-A. GRCh37 (hg19) VCF-style: chr4-25158577-G-A.
Other names: p.Arg97*; short protein forms R97*.
Identifiers: ClinVar variation 645393 (VCV000645393.12), dbSNP rs1309003036, ClinGen allele CA356542838.

ClinVar aggregate classification (germline): Pathogenic/Likely pathogenic. Review status: criteria provided, multiple submitters, no conflicts (2 of 4 stars). 7 submissions from 7 submitters: Pathogenic (3); Likely pathogenic (4). Last evaluated 2026-08-27.

Conditions:
Pontocerebellar hypoplasia type 2D (PCH2D). Also called: Progressive cerebello-cerebral atrophy. Identifiers: Orphanet 247198, Orphanet 2524, MedGen C3151140, MONDO:0013438, OMIM 613811.

Allele frequency attached by ClinVar (database versions not stated): gnomAD exomes below 0.00001.
gnomAD v4.1: 5 of 1,610,562 alleles (0.00031%); highest among the groups gnomAD compares: Admixed American, 0.0033%; no homozygotes.

Submissions (7):

Department of Molecular Genetics, Istishari Arab Hospital
Classification: Pathogenic for Pontocerebellar hypoplasia type 2D. Last evaluated: 2026-08-27. Review status: criteria provided, single submitter. Criteria: ACMG Guidelines, 2015. Collection method: clinical testing. Allele origin: germline. Inheritance: Autosomal recessive inheritance. Affected: no.
Comment: The SEPSECS variant c.289C>T, p.Arg97* creates a termination codon at position 97 in exon 3 (of 11 exons). This variant is observed with very low frequency in the gnomAD v4.1.0 dataset (<0.001). This variant was previously reported in patients with autosomal recessive Pontocerebellar hypoplasia type 2D (PMID: 25558065‚ 25590979‚ 26115735). It is classified as pathogenic according to the recommendations of ACMG/AMP/ClinGen SVI guidelines.

OLLIN Analises Genomicas, OLLIN
Classification: Likely pathogenic for Pontocerebellar hypoplasia type 2D. Last evaluated: 2026-08-06. Review status: criteria provided, single submitter. Criteria: ACMG Guidelines 2015 PMID 25741868. Collection method: clinical testing. Allele origin: germline.
Comment: This nonsense variant, located in exon 3 (of 11), has been reported in ClinVar (accession VCV000645393.9), in gnomAD with an allele frequency of 0.00031%, and in the scientific literature in individuals with SEPSECS related disorders (PMID: 25558065, 25590979, 26115735). This variant introduces a premature stop codon, which is predicted to result in either a truncated protein or degradation of the mRNA via nonsense-mediated decay (NMD). According to the currently available evidence, this variant has been classified as likely pathogenic (PVS1, PM2_P).

Myriad Genetics, Inc.
Classification: Pathogenic for Pontocerebellar hypoplasia type 2D. Last evaluated: 2026-07-29. Review status: criteria provided, single submitter. Criteria: Myriad Autosomal Dominant, Autosomal Recessive and X-Linked Classification Criteria (2023). Collection method: clinical testing. Allele origin: unknown.
Comment: NM_016955.3(SEPSECS):c.289C>T(R97*) is a nonsense variant classified as pathogenic in the context of pontocerebellar hypoplasia, SEPSECS-related. R97* has not been observed in cases with relevant disease. Relevant functional assessments of this variant are not available in the literature. R97* has been observed in referenced population frequency databases. In summary, NM_016955.3(SEPSECS):c.289C>T(R97*) is a nonsense variant in a gene where loss of function is a known mechanism of disease and is predicted to disrupt protein function. Please note: this variant was assessed in the context of healthy population screening.

Natera, Inc.
Classification: Likely pathogenic for Pontocerebellar hypoplasia type 2d. Last evaluated: 2025-09-12. Review status: criteria provided, single submitter. Criteria: Natera Variant Classification Schema (03/2026). Collection method: clinical testing. Allele origin: germline.
Comment: The c.289C>T variant in SEPSECS is a nonsense variant predicted to introduce a stop codon at amino acid 97. This variant is expected to result in nonsense mediated decay, truncation, or a dysfunctional protein product. This variant is rare in the general population with a frequency below the threshold expected for the associated phenotype(s). Given the available evidence, this variant is classified as Likely Pathogenic.

Revvity Omics, Revvity
Classification: Likely pathogenic for Pontocerebellar hypoplasia type 2D. Last evaluated: 2025-06-03. Review status: criteria provided, single submitter. Criteria: ACMG Guidelines, 2015. Collection method: clinical testing. Allele origin: germline.

Labcorp Genetics (formerly Invitae), Labcorp
Classification: Pathogenic. Last evaluated: 2023-12-21. Review status: criteria provided, single submitter. Criteria: Invitae Variant Classification Sherloc (09022015). Collection method: clinical testing. Allele origin: germline.
Comment: This sequence change creates a premature translational stop signal (p.Arg97*) in the SEPSECS gene. It is expected to result in an absent or disrupted protein product. Loss-of-function variants in SEPSECS are known to be pathogenic (PMID: 25558065, 25590979, 26115735). This variant is present in population databases (no rsID available, gnomAD 0.003%). This variant has not been reported in the literature in individuals affected with SEPSECS-related conditions. ClinVar contains an entry for this variant (Variation ID: 645393). For these reasons, this variant has been classified as Pathogenic.

Fulgent Genetics
Classification: Likely pathogenic for Pontocerebellar hypoplasia type 2D. Last evaluated: 2021-12-14. Review status: criteria provided, single submitter. Criteria: ACMG Guidelines, 2015. Collection method: clinical testing. Allele origin: unknown.

Literature cited by the submitters: PubMed 25558065 (cited by 3 submitters); PubMed 25590979 (cited by 3 submitters); PubMed 26115735 (cited by 3 submitters).